The following is an entry in ClinVar:

NM_001130438.3(SPTAN1):c.4915G>A (p.Ala1639Thr)

Gene: SPTAN1 (spectrin alpha, non-erythrocytic 1; plus strand). Cytogenetic location: 9q34.11.
Variant type: single nucleotide variant.
Coding change: c.4915G>A on transcript NM_001130438.3 (MANE Select); coding-DNA position 4915, G replaced by A.
Protein change: p.Ala1639Thr; replaces alanine 1639 with threonine.
Molecular consequence: missense variant.
Genome position (GRCh38, 1-based): chr9:128,612,118, G>A. VCF-style: chr9-128612118-G-A. GRCh37 (hg19) VCF-style: chr9-131374397-G-A.
Other names: c.4840G>A, p.Ala1614Thr (NM_001195532.2); c.4915G>A, p.Ala1639Thr (NM_001363759.2, NM_001375310.1, NM_001375311.2 and 1 more transcripts); c.4855G>A, p.Ala1619Thr (NM_001363765.2, NM_001375314.2); c.4951G>A, p.Ala1651Thr (NM_001375312.2, NM_001375318.1); c.4900G>A, p.Ala1634Thr (NM_003127.4); short protein forms A1619T, A1639T, A1651T, A1634T, A1614T.
Identifiers: ClinVar variation 1434137 (VCV001434137.9), dbSNP rs371679323, ClinGen allele CA375070801.

ClinVar aggregate classification (germline): Uncertain significance (1 of 4 stars; one submission).

Conditions:
Early-infantile DEE. Also called: Early infantile epileptic encephalopathy; Ohtahara syndrome; Early infantile epileptic encephalopathy with suppression bursts. Identifiers: Orphanet 1934, MedGen C0393706, MONDO:0800491.

Allele frequency attached by ClinVar (database versions not stated): gnomAD 0.00001.

Submission:

Labcorp Genetics (formerly Invitae), Labcorp
Classification: Uncertain significance for Early-infantile DEE. Last evaluated: 2024-03-03. Review status: criteria provided, single submitter. Criteria: Invitae Variant Classification Sherloc (09022015). Collection method: clinical testing. Allele origin: germline.
Comment: This sequence change replaces alanine, which is neutral and non-polar, with threonine, which is neutral and polar, at codon 1639 of the SPTAN1 protein (p.Ala1639Thr). This variant is not present in population databases (gnomAD no frequency). This variant has not been reported in the literature in individuals affected with SPTAN1-related conditions. ClinVar contains an entry for this variant (Variation ID: 1434137). Advanced modeling of protein sequence and biophysical properties (such as structural, functional, and spatial information, amino acid conservation, physicochemical variation, residue mobility, and thermodynamic stability) has been performed at Invitae for this missense variant, however the output from this modeling did not meet the statistical confidence thresholds required to predict the impact of this variant on SPTAN1 protein function. In summary, the available evidence is currently insufficient to determine the role of this variant in disease. Therefore, it has been classified as a Variant of Uncertain Significance.